The following is an entry in ClinVar:

NM_020297.4(ABCC9):c.4026G>A (p.Val1342=)

Genes: ABCC9 (ATP binding cassette subfamily C member 9; minus strand), KCNJ8-AS1 (KCNJ8 antisense RNA 1; plus strand). Cytogenetic location: 12p12.1.
Variant type: single nucleotide variant.
Coding change: c.4026G>A on transcript NM_020297.4 (MANE Select); coding-DNA position 4026, G replaced by A.
Protein change: p.Val1342=; no amino-acid change (valine 1342 retained).
Molecular consequence: synonymous variant.
Genome position (GRCh38, 1-based): chr12:21,814,720, C>T on the plus strand (G>A on the coding strand, the complement: ABCC9 is on the minus strand). VCF-style: chr12-21814720-C-T. GRCh37 (hg19) VCF-style: chr12-21967654-C-T.
Other names: c.4026G>A, p.Val1342= (NM_001377273.1, NM_005691.4); c.3159G>A, p.Val1053= (NM_001377274.1).
Identifiers: ClinVar variation 3878978 (VCV003878978.1).
Genomic context (GRCh38, chr12:21,814,720, plus strand): 5'-CATTCTGAAGAAAGCCAGAGATAACGATGATTTCCCACTGCCAGTGCGACCACATATGCC[C>T]ACCTAGGAAAACAGCTGTCACTCAAAGAGAAGAGGACTCAGAAAAGGACAGAAGATTAGC-3'
Protein context (NP_064693.2, residues 1332-1352): VKAYIKPGQK[Val1342=]GICGRTGSGK

ClinVar aggregate classification (germline): Uncertain significance (1 of 4 stars; one submission).

Conditions:
Cardiovascular phenotype. Identifiers: MedGen CN230736.

Submission:

Ambry Genetics
Classification: Uncertain significance for Cardiovascular phenotype. Last evaluated: 2024-12-23. Review status: criteria provided, single submitter. Criteria: Ambry Variant Classification Scheme 2023. Collection method: clinical testing. Allele origin: germline.
Comment: The c.4026G>A variant (also known as p.V1342V), located in coding exon 33 of the ABCC9 gene, results from a G to A substitution at nucleotide position 4026. This nucleotide substitution does not change the valine at codon 1342. This nucleotide position is not well conserved in available vertebrate species. In silico splice site analysis for this alteration is inconclusive. Based on the available evidence, the clinical significance of this variant remains unclear.